The following is an entry in ClinVar:

ClinVar aggregate classification (germline): Uncertain significance (1 of 4 stars; one submission).

Conditions:
Kabuki syndrome. Also called: Kabuki make-up syndrome; NIIKAWA-KUROKI SYNDROME. Identifiers: Orphanet 2322, MedGen C0796004, MONDO:0016512.

Allele frequency attached by ClinVar (database versions not stated): gnomAD exomes below 0.00001.

Submission:

Labcorp Genetics (formerly Invitae), Labcorp
Classification: Uncertain significance for Kabuki syndrome. Last evaluated: 2024-09-06. Review status: criteria provided, single submitter. Criteria: Invitae Variant Classification Sherloc (09022015). Collection method: clinical testing. Allele origin: germline.
Comment: This sequence change replaces glutamine, which is neutral and polar, with arginine, which is basic and polar, at codon 3969 of the KMT2D protein (p.Gln3969Arg). This variant is not present in population databases (gnomAD no frequency). This variant has not been reported in the literature in individuals affected with KMT2D-related conditions. Invitae Evidence Modeling of protein sequence and biophysical properties (such as structural, functional, and spatial information, amino acid conservation, physicochemical variation, residue mobility, and thermodynamic stability) indicates that this missense variant is not expected to disrupt KMT2D protein function with a negative predictive value of 95%. In summary, the available evidence is currently insufficient to determine the role of this variant in disease. Therefore, it has been classified as a Variant of Uncertain Significance.

NM_003482.4(KMT2D):c.11906A>G (p.Gln3969Arg)

Gene: KMT2D (lysine methyltransferase 2D; minus strand). Cytogenetic location: 12q13.12.
Variant type: single nucleotide variant.
Coding change: c.11906A>G on transcript NM_003482.4 (MANE Select); coding-DNA position 11906, A replaced by G.
Protein change: p.Gln3969Arg; replaces glutamine 3969 with arginine.
Molecular consequence: missense variant.
Genome position (GRCh38, 1-based): chr12:49,032,799, T>C on the plus strand (A>G on the coding strand, the complement: KMT2D is on the minus strand). VCF-style: chr12-49032799-T-C. GRCh37 (hg19) VCF-style: chr12-49426582-T-C.
Other names: short protein forms Q3969R.
Identifiers: ClinVar variation 2815538 (VCV002815538.3), dbSNP rs1942993447, ClinGen allele CA384714219.